The following is an entry in ClinVar:

NM_007186.6(CEP250):c.4202G>C (p.Arg1401Thr)

Gene: CEP250 (centrosomal protein 250; plus strand). Cytogenetic location: 20q11.22.
Variant type: single nucleotide variant.
Coding change: c.4202G>C on transcript NM_007186.6 (MANE Select); coding-DNA position 4202, G replaced by C.
Protein change: p.Arg1401Thr; replaces arginine 1401 with threonine.
Molecular consequence: missense variant.
Genome position (GRCh38, 1-based): chr20:35,502,571, G>C. VCF-style: chr20-35502571-G-C. GRCh37 (hg19) VCF-style: chr20-34090399-G-C.
Other names: c.2306G>C, p.Arg769Thr (NM_001318219.1); short protein forms R1401T, R769T.
Identifiers: ClinVar variation 1359875 (VCV001359875.8), dbSNP rs2147149764, ClinGen allele CA408747659.

ClinVar aggregate classification (germline): Uncertain significance (1 of 4 stars; one submission).

Submission:

Labcorp Genetics (formerly Invitae), Labcorp
Classification: Uncertain significance. Last evaluated: 2022-02-08. Review status: criteria provided, single submitter. Criteria: Invitae Variant Classification Sherloc (09022015). Collection method: clinical testing. Allele origin: germline.
Comment: This sequence change replaces arginine, which is basic and polar, with threonine, which is neutral and polar, at codon 1401 of the CEP250 protein (p.Arg1401Thr). This variant is not present in population databases (gnomAD no frequency). This variant has not been reported in the literature in individuals affected with CEP250-related conditions. Algorithms developed to predict the effect of missense changes on protein structure and function are either unavailable or do not agree on the potential impact of this missense change (SIFT: "Not Available"; PolyPhen-2: "Possibly Damaging"; Align-GVGD: "Not Available"). In summary, the available evidence is currently insufficient to determine the role of this variant in disease. Therefore, it has been classified as a Variant of Uncertain Significance.